The following is an entry in ClinVar:

ClinVar aggregate classification (germline): Uncertain significance (1 of 4 stars; one submission).

Allele frequency attached by ClinVar (database versions not stated): gnomAD exomes below 0.00001.
gnomAD v4.1: 1 of 1,607,480 alleles (0.000062%); highest among the groups gnomAD compares: Non-Finnish European, 0.000085%; no homozygotes.

Submission:

Labcorp Genetics (formerly Invitae), Labcorp
Classification: Uncertain significance. Last evaluated: 2023-02-16. Review status: criteria provided, single submitter. Criteria: Invitae Variant Classification Sherloc (09022015). Collection method: clinical testing. Allele origin: germline.
Comment: In summary, the available evidence is currently insufficient to determine the role of this variant in disease. Therefore, it has been classified as a Variant of Uncertain Significance. This sequence change replaces glycine, which is neutral and non-polar, with serine, which is neutral and polar, at codon 334 of the IRF2BP2 protein (p.Gly334Ser). This variant is not present in population databases (gnomAD no frequency). This variant has not been reported in the literature in individuals affected with IRF2BP2-related conditions. Algorithms developed to predict the effect of missense changes on protein structure and function output the following: SIFT: "Not Available"; PolyPhen-2: "Benign"; Align-GVGD: "Not Available". The serine amino acid residue is found in multiple mammalian species, which suggests that this missense change does not adversely affect protein function. Algorithms developed to predict the effect of sequence changes on RNA splicing suggest that this variant may disrupt the consensus splice site.

NM_182972.3(IRF2BP2):c.1000G>A (p.Gly334Ser)

Genes: IRF2BP2 (interferon regulatory factor 2 binding protein 2; minus strand), LOC129932810 (ATAC-STARR-seq lymphoblastoid active region 2760; plus strand). Cytogenetic location: 1q42.3.
Variant type: single nucleotide variant.
Coding change: c.1000G>A on transcript NM_182972.3 (MANE Select); coding-DNA position 1000, G replaced by A.
Protein change: p.Gly334Ser; replaces glycine 334 with serine.
Molecular consequence: missense variant.
Genome position (GRCh38, 1-based): chr1:234,608,495, C>T on the plus strand (G>A on the coding strand, the complement: IRF2BP2 is on the minus strand). VCF-style: chr1-234608495-C-T. GRCh37 (hg19) VCF-style: chr1-234744241-C-T.
Other names: c.1000G>A, p.Val334Ile (NM_001077397.1); short protein forms V334I, G334S.
Identifiers: ClinVar variation 2905461 (VCV002905461.3), dbSNP rs2528518563, ClinGen allele CA345307278.
Genomic context (GRCh38, chr1:234,608,495, plus strand): 5'-AGCCGCCCCTACCTGCTTTAGACCCGTTGGCCCCGTTGGCCTCGAAACCCAACAACCTGC[C>T]TGCAGTCAGGGCCGGCTCCTTCTTAAACTTGCTCTCGAAGGGCCCCGAGTGGCCGTGCTG-3'
Protein context (NP_892017.2, residues 324-344): KFKKEPALTA[Gly334Ser]RLLGFEANGA